The following is an entry in ClinVar:

NM_001278064.2(GRM1):c.2669G>C (p.Gly890Ala)

Gene: GRM1 (glutamate metabotropic receptor 1; plus strand). Cytogenetic location: 6q24.3.
Variant type: single nucleotide variant.
Coding change: c.2669G>C on transcript NM_001278064.2 (MANE Select); coding-DNA position 2669, G replaced by C.
Protein change: p.Gly890Ala; replaces glycine 890 with alanine.
Molecular consequence: missense variant. On other transcripts: 3 prime UTR variant (1), intron variant (2).
Genome position (GRCh38, 1-based): chr6:146,433,880, G>C. VCF-style: chr6-146433880-G-C. GRCh37 (hg19) VCF-style: chr6-146755016-G-C.
Other names: c.*33G>C (NM_001278065.2); c.*25-27G>C (NM_001278066.1); c.2661-27G>C (NM_001278067.1); short protein forms G890A.
Identifiers: ClinVar variation 1712789 (VCV001712789.3), dbSNP rs2484160253, ClinGen allele CA366192078.
Genomic context (GRCh38, chr6:146,433,880, plus strand): 5'-TCCTGTGTGCATGATCTATCTGCAAATAAATCCATCTCTATTTTATTCATAGTTCTAATG[G>C]CAAGTCTGTGTCATGGTCTGAACCAGGTGGAGGACAGGTGCCCAAGGGACAGCATATGTG-3'
Protein context (NP_001264993.1, residues 880-900): KAGAGNANSN[Gly890Ala]KSVSWSEPGG

ClinVar aggregate classification (germline): Uncertain significance (1 of 4 stars; one submission).

Submission:

GeneDx
Classification: Uncertain significance. Last evaluated: 2025-09-25. Review status: criteria provided, single submitter. Criteria: GeneDx Variant Classification Process June 2021. Collection method: clinical testing. Allele origin: germline.
Comment: Not observed at significant frequency in large population cohorts (gnomAD); In silico analysis supports that this missense variant has a deleterious effect on protein structure/function; Has not been previously published as pathogenic or benign to our knowledge